The following is an entry in ClinVar:

ClinVar aggregate classification (germline): Likely benign. Review status: criteria provided, multiple submitters, no conflicts (2 of 4 stars). 2 submissions from 2 submitters: Likely benign (2). Last evaluated 2024-08-01.

Conditions:
Creatine transporter deficiency (CCDS1). Also called: Creatine Transporter (CRTR) Deficiency; Mental retardation , X-linked with seizures, short stature and midface hypoplasia; Mental retardation , X-linked, with creatine transport deficiency; X-linked creatine transporter deficiency; X-linked creatine deficiency syndrome; SLC6A8-Related Creatine Transporter Deficiency. Identifiers: Orphanet 52503, MedGen C1845862, MONDO:0010305, OMIM 300352.

Allele frequency attached by ClinVar (database versions not stated): gnomAD exomes 0.00001 and 0.00003; TOPMed 0.00001; ExAC 0.00002.
gnomAD v4.1: 29 of 1,211,840 alleles (0.0024%); highest among the groups gnomAD compares: Non-Finnish European, 0.003%; no homozygotes.

Submissions (2):

CeGaT Center for Human Genetics Tuebingen
Classification: Likely benign. Last evaluated: 2024-08-01. Review status: criteria provided, single submitter. Criteria: CeGaT Center For Human Genetics Tuebingen Variant Classification Criteria Version 2. Collection method: clinical testing. Allele origin: germline. Affected: yes. Observed: 1 variant allele.
Comment: SLC6A8: BP4, BS2

Labcorp Genetics (formerly Invitae), Labcorp
Classification: Likely benign for Creatine transporter deficiency. Last evaluated: 2024-01-19. Review status: criteria provided, single submitter. Criteria: Invitae Variant Classification Sherloc (09022015). Collection method: clinical testing. Allele origin: germline.

NM_005629.4(SLC6A8):c.579C>T (p.Ala193=)

Gene: SLC6A8 (solute carrier family 6 member 8; plus strand). Cytogenetic location: Xq28.
Variant type: single nucleotide variant.
Coding change: c.579C>T on transcript NM_005629.4 (MANE Select); coding-DNA position 579, C replaced by T.
Protein change: p.Ala193=; no amino-acid change (alanine 193 retained).
Molecular consequence: synonymous variant.
Genome position (GRCh38, 1-based): chrX:153,691,488, C>T. VCF-style: chrX-153691488-C-T. GRCh37 (hg19) VCF-style: chrX-152956943-C-T.
Other names: c.579C>T, p.Ala193= (NM_001142805.2); c.234C>T, p.Ala78= (NM_001142806.1).
Identifiers: ClinVar variation 1156843 (VCV001156843.25), dbSNP rs782164730, ClinGen allele CA10549208.
Genomic context (GRCh38, chrX:153,691,488, plus strand): 5'-CCACACCTGGAACACTCCCGACTGCGTGGAGATCTTCCGCCATGAAGACTGTGCCAATGC[C>T]AGCCTGGCCAACCTCACCTGTGACCAGCTTGCTGACCGCCGGTCCCCTGTCATCGAGTTC-3'
Protein context (NP_005620.1, residues 183-203): EIFRHEDCAN[Ala193=]SLANLTCDQL